The following is an entry in ClinVar:

ClinVar aggregate classification (germline): Uncertain significance (1 of 4 stars; one submission).

Conditions:
Acyl-CoA oxidase deficiency. Also called: Pseudoneonatal adrenoleukodystrophy; Peroxisomal acyl-CoA oxidase deficiency; STRAIGHT-CHAIN ACYL-CoA OXIDASE DEFICIENCY. Identifiers: Orphanet 2971, MedGen C1849678, MONDO:0009919, OMIM 264470. Disease mechanism: loss of function.

Submission:

Labcorp Genetics (formerly Invitae), Labcorp
Classification: Uncertain significance for Acyl-CoA oxidase deficiency. Last evaluated: 2020-12-28. Review status: criteria provided, single submitter. Criteria: Invitae Variant Classification Sherloc (09022015). Collection method: clinical testing. Allele origin: germline.
Comment: In summary, the available evidence is currently insufficient to determine the role of this variant in disease. Therefore, it has been classified as a Variant of Uncertain Significance. Algorithms developed to predict the effect of missense changes on protein structure and function are either unavailable or do not agree on the potential impact of this missense change (SIFT: "Deleterious"; PolyPhen-2: "Benign"; Align-GVGD: "Class C0"). This sequence change replaces proline with leucine at codon 317 of the ACOX1 protein (p.Pro317Leu). The proline residue is highly conserved and there is a moderate physicochemical difference between proline and leucine. This variant is not present in population databases (ExAC no frequency). This variant has not been reported in the literature in individuals with ACOX1-related conditions.

NM_004035.7(ACOX1):c.950C>T (p.Pro317Leu)

Gene: ACOX1 (acyl-CoA oxidase 1; minus strand). Cytogenetic location: 17q25.1.
Variant type: single nucleotide variant.
Coding change: c.950C>T on transcript NM_004035.7 (MANE Select); coding-DNA position 950, C replaced by T.
Protein change: p.Pro317Leu; replaces proline 317 with leucine.
Molecular consequence: missense variant.
Genome position (GRCh38, 1-based): chr17:75,951,572, G>A on the plus strand (C>T on the coding strand, the complement: ACOX1 is on the minus strand). VCF-style: chr17-75951572-G-A. GRCh37 (hg19) VCF-style: chr17-73947653-G-A.
Other names: c.836C>T, p.Pro279Leu (NM_001185039.2); c.950C>T, p.Pro317Leu (NM_007292.6); short protein forms P279L, P317L.
Identifiers: ClinVar variation 1512966 (VCV001512966.8), dbSNP rs2144242572, ClinGen allele CA401064664.